The following is an entry in ClinVar:

NM_001384140.1(PCDH15):c.3494G>T (p.Arg1165Ile)

Gene: PCDH15 (protocadherin related 15; minus strand). Cytogenetic location: 10q21.1.
Variant type: single nucleotide variant.
Coding change: c.3494G>T on transcript NM_001384140.1 (MANE Select); coding-DNA position 3494, G replaced by T.
Protein change: p.Arg1165Ile; replaces arginine 1165 with isoleucine.
Molecular consequence: missense variant.
Genome position (GRCh38, 1-based): chr10:53,903,250, C>A on the plus strand (G>T on the coding strand, the complement: PCDH15 is on the minus strand). VCF-style: chr10-53903250-C-A. GRCh37 (hg19) VCF-style: chr10-55663010-C-A.
Other names: c.3509G>T, p.Arg1170Ile (NM_001142763.2, NM_001142771.2); c.3494G>T, p.Arg1165Ile (NM_001142764.2, NM_001142766.2, NM_001142770.3 and 4 more transcripts); c.3281G>T, p.Arg1094Ile (NM_001142765.2); c.3383G>T, p.Arg1128Ile (NM_001142767.2); c.3428G>T, p.Arg1143Ile (NM_001142768.2, NM_001142773.2, NM_001354404.2); c.3530G>T, p.Arg1177Ile (NM_001142769.4); c.3515G>T, p.Arg1172Ile (NM_001354411.2); short protein forms R1143I, R1170I, R1128I, R1165I, R1094I, R1172I, R1177I.
Identifiers: ClinVar variation 2036747 (VCV002036747.5), dbSNP rs1827372186, ClinGen allele CA376525309.
Genomic context (GRCh38, chr10:53,903,250, plus strand): 5'-TGCAAAACCTGAGCTTTTACTTTAGTTCTGTATATTAACATAATTCCGCATACCTTCACT[C>A]TGAGTACAGAAGTAAACATTCTTGCATCTTCAGATACACCTCCGATGTAGAATTTTTTCT-3'
Protein context (NP_001371069.1, residues 1155-1175): EDARMFTSVL[Arg1165Ile]VKATDKDTGN

ClinVar aggregate classification (germline): Uncertain significance (1 of 4 stars; one submission).

Submissions (2):

Labcorp Genetics (formerly Invitae), Labcorp
Classification: Uncertain significance. Last evaluated: 2022-03-30. Review status: criteria provided, single submitter. Criteria: Invitae Variant Classification Sherloc (09022015). Collection method: clinical testing. Allele origin: germline.
Comment: In summary, the available evidence is currently insufficient to determine the role of this variant in disease. Therefore, it has been classified as a Variant of Uncertain Significance. Algorithms developed to predict the effect of missense changes on protein structure and function are either unavailable or do not agree on the potential impact of this missense change (SIFT: "Deleterious"; PolyPhen-2: "Benign"; Align-GVGD: "Class C0"). This variant has not been reported in the literature in individuals affected with PCDH15-related conditions. This variant is not present in population databases (gnomAD no frequency). This sequence change replaces arginine, which is basic and polar, with isoleucine, which is neutral and non-polar, at codon 1165 of the PCDH15 protein (p.Arg1165Ile).

Dr. Peter K. Rogan Lab, Western University
No classification provided (evidence only). Condition: Squamous cell lung carcinoma. Review status: no classification provided. Collection method: in vitro. Allele origin: not applicable. Functional consequence: retained intron. Not counted in ClinVar's aggregate classification.